The following is an entry in ClinVar:

ClinVar aggregate classification (germline): Uncertain significance (1 of 4 stars; one submission).

Submission:

Labcorp Genetics (formerly Invitae), Labcorp
Classification: Uncertain significance. Last evaluated: 2025-01-11. Review status: criteria provided, single submitter. Criteria: Invitae Variant Classification Sherloc (09022015). Collection method: clinical testing. Allele origin: germline.
Comment: This variant, c.2760_2780del, results in the deletion of 7 amino acid(s) of the SON protein (p.Ala924_Leu930del), but otherwise preserves the integrity of the reading frame. This variant is present in population databases (rs751893051, gnomAD 0.006%). This variant has not been reported in the literature in individuals affected with SON-related conditions. Experimental studies and prediction algorithms are not available or were not evaluated, and the functional significance of this variant is currently unknown. In summary, the available evidence is currently insufficient to determine the role of this variant in disease. Therefore, it has been classified as a Variant of Uncertain Significance.

NM_138927.4(SON):c.2760_2780del (p.917AQDPYRL[1])

Gene: SON (SON DNA and RNA binding protein; plus strand). Cytogenetic location: 21q22.11.
Variant type: Deletion.
Coding change: c.2760_2780del on transcript NM_138927.4 (MANE Select); coding-DNA positions 2760 to 2780, 21 bases deleted (TTACAGGTTAGCTCAGGATCC).
Protein change: p.917AQDPYRL[1].
Molecular consequence: inframe deletion. On other transcripts: non-coding transcript variant (1), intron variant (1).
Genome position (GRCh38, 1-based): chr21:33,551,991-33,552,011, TTACAGGTTAGCTCAGGATCC deleted; deleting any 21 consecutive bases within chr21:33,551,974-33,552,011 gives the same sequence; the c. name uses the placement nearest the transcript's 3' end. VCF-style (leftmost placement, unchanged base first): chr21-33551973-TAGGTTAGCTCAGGATCCTTAC-T. GRCh37 (hg19) VCF-style: chr21-34924279-TAGGTTAGCTCAGGATCCTTAC-T.
Other names: c.2760_2780del, p.917AQDPYRL[1] (NM_001291411.2, NM_032195.3); c.245-5165_245-5145del (NM_001291412.3).
Identifiers: ClinVar variation 3605457 (VCV003605457.2).